The following is an entry in ClinVar:

NM_201384.3(PLEC):c.1568G>A (p.Arg523His)

Gene: PLEC (plectin; minus strand). Cytogenetic location: 8q24.3.
Variant type: single nucleotide variant.
Coding change: c.1568G>A on transcript NM_201384.3 (MANE Select); coding-DNA position 1568, G replaced by A.
Protein change: p.Arg523His; replaces arginine 523 with histidine.
Molecular consequence: missense variant.
Genome position (GRCh38, 1-based): chr8:143,932,962, C>T on the plus strand (G>A on the coding strand, the complement: PLEC is on the minus strand). VCF-style: chr8-143932962-C-T. GRCh37 (hg19) VCF-style: chr8-145007130-C-T.
Other names: c.1649G>A, p.Arg550His (NM_001410941.1, NM_000445.5); c.1526G>A, p.Arg509His (NM_201378.4); c.1502G>A, p.Arg501His (NM_201379.3); c.1979G>A, p.Arg660His (NM_201380.4); c.1472G>A, p.Arg491His (NM_201381.3); c.1568G>A, p.Arg523His (NM_201382.4); c.1580G>A, p.Arg527His (NM_201383.3); short protein forms R491H, R501H, R527H, R660H, R509H, R523H, R550H.
Identifiers: ClinVar variation 2589227 (VCV002589227.3), dbSNP rs782562561, ClinGen allele CA4927922.
Genomic context (GRCh38, chr8:143,932,962, plus strand): 5'-TCAGCGCCATCCACACGGTGCTGGTTCTCCTCCACCCAGGCCAGCAGGTCCTGCAGGTAG[C>T]GCAGAGTGGAGTCCTCCAGCTCGGGGCGCCTCTGCACACTCTGCAGAGTCACCTGGGCCA-3'
Protein context (NP_958786.1, residues 513-533): RRPELEDSTL[Arg523His]YLQDLLAWVE

ClinVar aggregate classification (germline): Uncertain significance. Review status: criteria provided, multiple submitters, no conflicts (2 of 4 stars). 2 submissions from 2 submitters: Uncertain significance (2). Last evaluated 2025-07-16.

Conditions:
Epidermolysis bullosa simplex 5B, with muscular dystrophy (EBS5B). Also called: Epidermolysis bullosa simplex with muscular dystrophy; EPIDERMOLYSIS BULLOSA SIMPLEX AND LIMB-GIRDLE MUSCULAR DYSTROPHY. Identifiers: Orphanet 257, MedGen C2931072, MONDO:0009181, OMIM 226670.
Epidermolysis bullosa simplex 5C, with pyloric atresia (EBS5C). Also called: Epidermolysis bullosa simplex with pyloric atresia; PLEC-Related Epidermolysis Bullosa with Pyloric Atresia; PLEC1-Related Epidermolysis Bullosa with Pyloric Atresia. Identifiers: Orphanet 158684, MedGen C2677349, MONDO:0012807, OMIM 612138.
Epidermolysis bullosa simplex with nail dystrophy (EBS5D). Identifiers: MedGen C4225309, MONDO:0014661, OMIM 616487.
Autosomal recessive limb-girdle muscular dystrophy type 2Q (LGMDR17). Also called: MUSCULAR DYSTROPHY, LIMB-GIRDLE, AUTOSOMAL RECESSIVE 17. Identifiers: Orphanet 254361, MedGen C3150989, MONDO:0013390, OMIM 613723.
Epidermolysis bullosa simplex, Ogna type (EBS5A). Also called: Pidermolysis bullosa simplex 5A, Ogna type; EPIDERMOLYSIS BULLOSA SIMPLEX 5A, OGNA TYPE. Identifiers: Orphanet 79401, MedGen C0432317, MONDO:0007555, OMIM 131950.
Inborn genetic diseases. Identifiers: MedGen C0950123, MeSH D030342.

Allele frequency attached by ClinVar (database versions not stated): gnomAD 0.00001; gnomAD exomes 0.00001; ExAC 0.00002; TOPMed 0.00002.
gnomAD v4.1: 11 of 1,612,362 alleles (0.00068%); highest among the groups gnomAD compares: Non-Finnish European, 0.00042%; no homozygotes.

Submissions (2):

Labcorp Genetics (formerly Invitae), Labcorp
Classification: Uncertain significance for Autosomal recessive limb-girdle muscular dystrophy type 2Q; Epidermolysis bullosa simplex, Ogna type; Epidermolysis bullosa simplex with nail dystrophy; Epidermolysis bullosa simplex 5C, with pyloric atresia; Epidermolysis bullosa simplex 5B, with muscular dystrophy. Last evaluated: 2025-07-16. Review status: criteria provided, single submitter. Criteria: Invitae Variant Classification Sherloc (09022015). Collection method: clinical testing. Allele origin: germline.
Comment: This sequence change replaces arginine, which is basic and polar, with histidine, which is basic and polar, at codon 550 of the PLEC protein (p.Arg550His). This variant is present in population databases (rs782562561, gnomAD 0.02%). This variant has not been reported in the literature in individuals affected with PLEC-related conditions. ClinVar contains an entry for this variant (Variation ID: 2589227). Experimental studies and prediction algorithms are not available or were not evaluated, and the functional significance of this variant is currently unknown. In summary, the available evidence is currently insufficient to determine the role of this variant in disease. Therefore, it has been classified as a Variant of Uncertain Significance.

Ambry Genetics
Classification: Uncertain significance for Inborn genetic diseases. Last evaluated: 2023-06-29. Review status: criteria provided, single submitter. Criteria: Ambry Variant Classification Scheme 2023. Collection method: clinical testing. Allele origin: germline.